The following is an entry in ClinVar:

NM_001100913.3(PACS2):c.2120-11C>G

Gene: PACS2 (phosphofurin acidic cluster sorting protein 2; plus strand). Cytogenetic location: 14q32.33.
Variant type: single nucleotide variant.
Coding change: c.2120-11C>G on transcript NM_001100913.3 (MANE Select); 11 bases into the intron before coding-DNA position 2120, C replaced by G.
Molecular consequence: intron variant.
Genome position (GRCh38, 1-based): chr14:105,391,620, C>G. VCF-style: chr14-105391620-C-G. GRCh37 (hg19) VCF-style: chr14-105857957-C-G.
Other names: c.1850-11C>G (NM_001243127.3); c.2075-11C>G (NM_015197.4).
Identifiers: ClinVar variation 4708235 (VCV004708235.1).

ClinVar aggregate classification (germline): Uncertain significance (1 of 4 stars; one submission).

Submission:

Labcorp Genetics (formerly Invitae), Labcorp
Classification: Uncertain significance. Last evaluated: 2025-03-23. Review status: criteria provided, single submitter. Criteria: Invitae Variant Classification Sherloc (09022015). Collection method: clinical testing. Allele origin: germline.
Comment: This sequence change falls in intron 21 of the PACS2 gene. It does not directly change the encoded amino acid sequence of the PACS2 protein. This variant is present in population databases (rs371522994, gnomAD 0.0009%). This variant has not been reported in the literature in individuals affected with PACS2-related conditions. Algorithms developed to predict the effect of sequence changes on RNA splicing suggest that this variant may disrupt the consensus splice site. In summary, the available evidence is currently insufficient to determine the role of this variant in disease. Therefore, it has been classified as a Variant of Uncertain Significance.